The following is an entry in ClinVar:

ClinVar aggregate classification (germline): Uncertain significance (1 of 4 stars; one submission).

gnomAD v4.1: 2 of 1,603,848 alleles (0.00012%); highest among the groups gnomAD compares: Non-Finnish European, 0.00017%; no homozygotes.

Submission:

Labcorp Genetics (formerly Invitae), Labcorp
Classification: Uncertain significance. Last evaluated: 2025-01-22. Review status: criteria provided, single submitter. Criteria: Invitae Variant Classification Sherloc (09022015). Collection method: clinical testing. Allele origin: germline.
Comment: This sequence change replaces glutamine, which is neutral and polar, with glutamic acid, which is acidic and polar, at codon 389 of the AUTS2 protein (p.Gln389Glu). This variant is present in population databases (rs757871512, gnomAD 0.0009%). This variant has not been reported in the literature in individuals affected with AUTS2-related conditions. Invitae Evidence Modeling of protein sequence and biophysical properties (such as structural, functional, and spatial information, amino acid conservation, physicochemical variation, residue mobility, and thermodynamic stability) indicates that this missense variant is not expected to disrupt AUTS2 protein function with a negative predictive value of 80%. In summary, the available evidence is currently insufficient to determine the role of this variant in disease. Therefore, it has been classified as a Variant of Uncertain Significance.

NM_015570.4(AUTS2):c.1165C>G (p.Gln389Glu)

Gene: AUTS2 (activator of transcription and developmental regulator AUTS2; plus strand). Cytogenetic location: 7q11.22.
Variant type: single nucleotide variant.
Coding change: c.1165C>G on transcript NM_015570.4 (MANE Select); coding-DNA position 1165, C replaced by G.
Protein change: p.Gln389Glu; replaces glutamine 389 with glutamic acid.
Molecular consequence: missense variant.
Genome position (GRCh38, 1-based): chr7:70,763,292, C>G. VCF-style: chr7-70763292-C-G. GRCh37 (hg19) VCF-style: chr7-70228278-C-G.
Other names: c.1165C>G, p.Gln389Glu (NM_001127231.3); short protein forms Q389E.
Identifiers: ClinVar variation 3608832 (VCV003608832.2).